The following is an entry in ClinVar:

NM_054012.4(ASS1):c.621C>A (p.Tyr207Ter)

Gene: ASS1 (argininosuccinate synthase 1; plus strand). Cytogenetic location: 9q34.11.
Variant type: single nucleotide variant.
Coding change: c.621C>A on transcript NM_054012.4 (MANE Select); coding-DNA position 621, C replaced by A.
Protein change: p.Tyr207Ter; replaces tyrosine 207 with a stop codon.
Molecular consequence: nonsense.
Genome position (GRCh38, 1-based): chr9:130,476,894, C>A. VCF-style: chr9-130476894-C-A. GRCh37 (hg19) VCF-style: chr9-133352281-C-A.
Other names: c.621C>A, p.Tyr207Ter (NM_000050.4); short protein forms Y207*.
Identifiers: ClinVar variation 1434677 (VCV001434677.6), dbSNP rs2118832096, ClinGen allele CA375228348.

ClinVar aggregate classification (germline): Pathogenic (1 of 4 stars; one submission).

Conditions:
Citrullinemia. Identifiers: Orphanet 187, MedGen C0175683, MONDO:0015991.

Submission:

Labcorp Genetics (formerly Invitae), Labcorp
Classification: Pathogenic for Citrullinemia. Last evaluated: 2021-01-30. Review status: criteria provided, single submitter. Criteria: Invitae Variant Classification Sherloc (09022015). Collection method: clinical testing. Allele origin: germline.
Comment: This sequence change creates a premature translational stop signal (p.Tyr207*) in the ASS1 gene. It is expected to result in an absent or disrupted protein product. Loss-of-function variants in ASS1 are known to be pathogenic (PMID: 18473344, 19006241). For these reasons, this variant has been classified as Pathogenic. This variant has not been reported in the literature in individuals with ASS1-related conditions. This variant is not present in population databases (ExAC no frequency).

Literature cited by the submitters: PubMed 18473344; PubMed 19006241.